The following is an entry in ClinVar:

NM_001349253.2(SCN11A):c.3027G>T (p.Met1009Ile)

Gene: SCN11A (sodium voltage-gated channel alpha subunit 11; minus strand). Cytogenetic location: 3p22.2.
Variant type: single nucleotide variant.
Coding change: c.3027G>T on transcript NM_001349253.2 (MANE Select); coding-DNA position 3027, G replaced by T.
Protein change: p.Met1009Ile; replaces methionine 1009 with isoleucine.
Molecular consequence: missense variant.
Genome position (GRCh38, 1-based): chr3:38,885,325, C>A on the plus strand (G>T on the coding strand, the complement: SCN11A is on the minus strand). VCF-style: chr3-38885325-C-A. GRCh37 (hg19) VCF-style: chr3-38926816-C-A.
Other names: c.3027G>T, p.Met1009Ile (NM_014139.3); short protein forms M1009I.
Identifiers: ClinVar variation 2927119 (VCV002927119.3), dbSNP rs1421136835, ClinGen allele CA352173600.

ClinVar aggregate classification (germline): Uncertain significance (1 of 4 stars; one submission).

Conditions:
Familial episodic pain syndrome with predominantly lower limb involvement. Also called: Episodic pain syndrome, familial, 3. Identifiers: Orphanet 391384, Orphanet 391392, MedGen C3809899, MONDO:0014247, OMIM 615552.
Hereditary sensory and autonomic neuropathy type 7. Also called: Neuropathy, hereditary sensory and autonomic, type VII; HSAN VII. Identifiers: Orphanet 391397, MedGen C3809882, MONDO:0014244, OMIM 615548.

Allele frequency attached by ClinVar (database versions not stated): gnomAD exomes below 0.00001.

Submission:

Labcorp Genetics (formerly Invitae), Labcorp
Classification: Uncertain significance for Familial episodic pain syndrome with predominantly lower limb involvement; Hereditary sensory and autonomic neuropathy type 7. Last evaluated: 2023-02-13. Review status: criteria provided, single submitter. Criteria: Invitae Variant Classification Sherloc (09022015). Collection method: clinical testing. Allele origin: germline.
Comment: In summary, the available evidence is currently insufficient to determine the role of this variant in disease. Therefore, it has been classified as a Variant of Uncertain Significance. Advanced modeling of protein sequence and biophysical properties (such as structural, functional, and spatial information, amino acid conservation, physicochemical variation, residue mobility, and thermodynamic stability) performed at Invitae indicates that this missense variant is not expected to disrupt SCN11A protein function. This variant has not been reported in the literature in individuals affected with SCN11A-related conditions. This variant is present in population databases (no rsID available, gnomAD 0.006%). This sequence change replaces methionine, which is neutral and non-polar, with isoleucine, which is neutral and non-polar, at codon 1009 of the SCN11A protein (p.Met1009Ile).